The following is an entry in ClinVar:

NM_007254.4(PNKP):c.1036G>C (p.Val346Leu)

Gene: PNKP (polynucleotide kinase 3'-phosphatase; minus strand). Cytogenetic location: 19q13.33.
Variant type: single nucleotide variant.
Coding change: c.1036G>C on transcript NM_007254.4 (MANE Select); coding-DNA position 1036, G replaced by C.
Protein change: p.Val346Leu; replaces valine 346 with leucine.
Molecular consequence: missense variant.
Genome position (GRCh38, 1-based): chr19:49,862,275, C>G on the plus strand (G>C on the coding strand, the complement: PNKP is on the minus strand). VCF-style: chr19-49862275-C-G. GRCh37 (hg19) VCF-style: chr19-50365532-C-G.
Other names: p.Val346Leu; short protein forms V346L.
Identifiers: ClinVar variation 4542363 (VCV004542363.1).

ClinVar aggregate classification (germline): Uncertain significance (1 of 4 stars; one submission).

Submission:

Mayo Clinic Laboratories, Mayo Clinic
Classification: Uncertain significance. Last evaluated: 2025-03-12. Review status: criteria provided, single submitter. Criteria: ACMG Guidelines, 2015. Collection method: clinical testing. Allele origin: germline. Observed: 1 variant allele.
Comment: BP4_moderate, PM2_supporting